The following is an entry in ClinVar:

ClinVar aggregate classification (germline): Uncertain significance (1 of 4 stars; one submission).

Allele frequency attached by ClinVar (database versions not stated): gnomAD exomes below 0.00001.
gnomAD v4.1: 3 of 1,614,108 alleles (0.00019%); highest among the groups gnomAD compares: African/African-American, 0.0013%; no homozygotes.

Submission:

Labcorp Genetics (formerly Invitae), Labcorp
Classification: Uncertain significance. Last evaluated: 2024-02-20. Review status: criteria provided, single submitter. Criteria: Invitae Variant Classification Sherloc (09022015). Collection method: clinical testing. Allele origin: germline.
Comment: This sequence change replaces valine, which is neutral and non-polar, with isoleucine, which is neutral and non-polar, at codon 342 of the CLCN6 protein (p.Val342Ile). This variant is not present in population databases (gnomAD no frequency). This variant has not been reported in the literature in individuals affected with CLCN6-related conditions. ClinVar contains an entry for this variant (Variation ID: 1465333). Algorithms developed to predict the effect of missense changes on protein structure and function output the following: SIFT: "Not Available"; PolyPhen-2: "Benign"; Align-GVGD: "Not Available". The isoleucine amino acid residue is found in multiple mammalian species, which suggests that this missense change does not adversely affect protein function. In summary, the available evidence is currently insufficient to determine the role of this variant in disease. Therefore, it has been classified as a Variant of Uncertain Significance.

NM_001286.5(CLCN6):c.1024G>A (p.Val342Ile)

Gene: CLCN6 (chloride voltage-gated channel 6; plus strand). Cytogenetic location: 1p36.22.
Variant type: single nucleotide variant.
Coding change: c.1024G>A on transcript NM_001286.5 (MANE Select); coding-DNA position 1024, G replaced by A.
Protein change: p.Val342Ile; replaces valine 342 with isoleucine.
Molecular consequence: missense variant. On other transcripts: non-coding transcript variant (1).
Genome position (GRCh38, 1-based): chr1:11,828,527, G>A. VCF-style: chr1-11828527-G-A. GRCh37 (hg19) VCF-style: chr1-11888584-G-A.
Other names: c.958G>A, p.Val320Ile (NM_001256959.2); short protein forms V320I, V342I.
Identifiers: ClinVar variation 1465333 (VCV001465333.8), dbSNP rs2100642673, ClinGen allele CA338430370.
Genomic context (GRCh38, chr1:11,828,527, plus strand): 5'-TCTGATAAAAAATGTCATCTCTGGACAGCTATGGATTTGGGTTTCTTCGTCGTGATGGGG[G>A]TCATTGGGGGCCTCCTGGGAGCCACATTCAACTGTCTGAACAAGAGGCTTGCAAAGTACC-3'
Protein context (NP_001277.2, residues 332-352): MDLGFFVVMG[Val342Ile]IGGLLGATFN